The following is an entry in ClinVar:

NM_177438.3(DICER1):c.8G>A (p.Ser3Asn)

Gene: DICER1 (dicer 1, ribonuclease III; minus strand). Cytogenetic location: 14q32.13.
Variant type: single nucleotide variant.
Coding change: c.8G>A on transcript NM_177438.3 (MANE Select); coding-DNA position 8, G replaced by A.
Protein change: p.Ser3Asn; replaces serine 3 with asparagine.
Molecular consequence: missense variant.
Genome position (GRCh38, 1-based): chr14:95,133,451, C>T on the plus strand (G>A on the coding strand, the complement: DICER1 is on the minus strand). VCF-style: chr14-95133451-C-T. GRCh37 (hg19) VCF-style: chr14-95599788-C-T.
Other names: c.8G>A, p.Ser3Asn (NM_001195573.1, NM_001271282.3, NM_001291628.2 and 1 more transcripts); short protein forms S3N.
Identifiers: ClinVar variation 843684 (VCV000843684.14), dbSNP rs1894132373, ClinGen allele CA390890840.

ClinVar aggregate classification (germline): Conflicting classifications of pathogenicity. Review status: criteria provided, conflicting classifications (1 of 4 stars). 2 submissions from 2 submitters: Uncertain significance (1); Likely benign (1). Last evaluated 2025-10-20.

Conditions:
DICER1-related tumor predisposition. Also called: DICER1 syndrome; DICER1-related pleuropulmonary blastoma cancer predisposition syndrome. Identifiers: Orphanet 284343, MedGen C3839822, MONDO:0100216.
Hereditary cancer-predisposing syndrome. Also called: Neoplastic Syndromes, Hereditary; Hereditary neoplastic syndrome; Tumor predisposition; Hereditary Cancer Syndrome. Identifiers: Orphanet 140162, MedGen C0027672, MeSH D009386, MONDO:0015356.

Submissions (2):

Ambry Genetics
Classification: Likely benign for Hereditary cancer-predisposing syndrome. Last evaluated: 2025-10-20. Review status: criteria provided, single submitter. Criteria: Ambry Variant Classification Scheme 2023. Collection method: clinical testing. Allele origin: germline.

Labcorp Genetics (formerly Invitae), Labcorp
Classification: Uncertain significance for DICER1-related tumor predisposition. Last evaluated: 2020-10-25. Review status: criteria provided, single submitter. Criteria: Invitae Variant Classification Sherloc (09022015). Collection method: clinical testing. Allele origin: germline.
Comment: In summary, the available evidence is currently insufficient to determine the role of this variant in disease. Therefore, it has been classified as a Variant of Uncertain Significance. Algorithms developed to predict the effect of missense changes on protein structure and function output the following: SIFT: "Tolerated"; PolyPhen-2: "Benign"; Align-GVGD: "Class C0". The asparagine amino acid residue is found in multiple mammalian species, suggesting that this missense change does not adversely affect protein function. These predictions have not been confirmed by published functional studies and their clinical significance is uncertain. This variant has not been reported in the literature in individuals with DICER1-related conditions. This variant is not present in population databases (ExAC no frequency). This sequence change replaces serine with asparagine at codon 3 of the DICER1 protein (p.Ser3Asn). The serine residue is weakly conserved and there is a small physicochemical difference between serine and asparagine.